The following is an entry in ClinVar:

NM_001042492.3(NF1):c.584A>C (p.Lys195Thr)

Gene: NF1 (neurofibromin 1; plus strand). Cytogenetic location: 17q11.2.
Variant type: single nucleotide variant.
Coding change: c.584A>C on transcript NM_001042492.3 (MANE Select); coding-DNA position 584, A replaced by C.
Protein change: p.Lys195Thr; replaces lysine 195 with threonine.
Molecular consequence: missense variant.
Genome position (GRCh38, 1-based): chr17:31,169,995, A>C. VCF-style: chr17-31169995-A-C. GRCh37 (hg19) VCF-style: chr17-29497013-A-C.
Other names: c.584A>C, p.Lys195Thr (NM_000267.4, NM_001128147.3); short protein forms K195T.
Identifiers: ClinVar variation 2716529 (VCV002716529.3), dbSNP rs587778552, ClinGen allele CA398985496.

ClinVar aggregate classification (germline): Uncertain significance (1 of 4 stars; one submission).

Conditions:
Neurofibromatosis, type 1 (NF1). Also called: Neurofibromatosis, type I; NEUROFIBROMATOSIS, TYPE I, SOMATIC; Peripheral type neurofibromatosis; VON RECKLINGHAUSEN DISEASE. Identifiers: Orphanet 636, MedGen C0027831, MONDO:0018975, OMIM 162200. Disease mechanism: loss of function.

Submission:

Labcorp Genetics (formerly Invitae), Labcorp
Classification: Uncertain significance for Neurofibromatosis, type 1. Last evaluated: 2022-11-29. Review status: criteria provided, single submitter. Criteria: Invitae Variant Classification Sherloc (09022015). Collection method: clinical testing. Allele origin: germline.
Comment: This sequence change replaces lysine, which is basic and polar, with threonine, which is neutral and polar, at codon 195 of the NF1 protein (p.Lys195Thr). This variant is not present in population databases (gnomAD no frequency). This variant has not been reported in the literature in individuals affected with NF1-related conditions. Algorithms developed to predict the effect of missense changes on protein structure and function (SIFT, PolyPhen-2, Align-GVGD) all suggest that this variant is likely to be tolerated. In summary, the available evidence is currently insufficient to determine the role of this variant in disease. Therefore, it has been classified as a Variant of Uncertain Significance.